The following is an entry in ClinVar:

ClinVar aggregate classification (germline): Benign. Review status: criteria provided, multiple submitters, no conflicts (2 of 4 stars). 2 submissions from 2 submitters: Benign (2). Last evaluated 2018-01-13.

Conditions:
Heterotaxy, visceral, 4, autosomal (HTX4). Identifiers: Orphanet 450, MedGen C3151057, MONDO:0013403, OMIM 613751.

Allele frequency attached by ClinVar (database versions not stated): gnomAD exomes 0.16667; 1000 Genomes Project 30x 0.34681; 1000 Genomes Project 0.35224; TOPMed 0.40023.
gnomAD v4.1: 64,833 of 152,122 alleles (43%); highest among the groups gnomAD compares: Non-Finnish European, 57%; 16,170 homozygotes.

Submissions (2):

Illumina Laboratory Services, Illumina
Classification: Benign for Heterotaxy, visceral, 4, autosomal. Last evaluated: 2018-01-13. Review status: criteria provided, single submitter. Criteria: ICSL Variant Classification Criteria 13 December 2019. Collection method: clinical testing. Allele origin: germline.
Comment: This variant was observed in the ICSL laboratory as part of a predisposition screen in an ostensibly healthy population. It had not been previously curated by ICSL or reported in the Human Gene Mutation Database (HGMD: prior to June 1st, 2018), and was therefore a candidate for classification through an automated scoring system. Utilizing variant allele frequency, disease prevalence and penetrance estimates, and inheritance mode, an automated score was calculated to assess if this variant is too frequent to cause the disease. Based on the score and internal cut-off values, a variant classified as benign is not then subjected to further curation. The score for this variant resulted in a classification of benign for this disease.

Breakthrough Genomics
Classification: Benign. Review status: criteria provided, single submitter. Criteria: ACMG Guidelines, 2015. Collection method: not provided. Allele origin: germline. Inheritance: Unknown mechanism. Affected: yes.

NM_001106.4(ACVR2B):c.*1041A>C

Gene: ACVR2B (activin A receptor type 2B; plus strand). Cytogenetic location: 3p22.2.
Variant type: single nucleotide variant.
Coding change: c.*1041A>C on transcript NM_001106.4 (MANE Select); 1041 bases downstream of the stop codon, A replaced by C.
Molecular consequence: 3 prime UTR variant.
Genome position (GRCh38, 1-based): chr3:38,484,373, A>C. VCF-style: chr3-38484373-A-C. GRCh37 (hg19) VCF-style: chr3-38525864-A-C.
Identifiers: ClinVar variation 344940 (VCV000344940.6), dbSNP rs7640050, ClinGen allele CA10615726.